The following is an entry in ClinVar:

NM_000497.4(CYP11B1):c.1066C>T (p.Gln356Ter)

Genes: CYP11B1 (cytochrome P450 family 11 subfamily B member 1; minus strand), LOC106799833 (CYP11B1 recombination region; plus strand). Cytogenetic location: 8q24.3.
Variant type: single nucleotide variant.
Coding change: c.1066C>T on transcript NM_000497.4 (MANE Select); coding-DNA position 1066, C replaced by T.
Protein change: p.Gln356Ter; replaces glutamine 356 with a stop codon.
Molecular consequence: nonsense.
Genome position (GRCh38, 1-based): chr8:142,875,767, G>A on the plus strand (C>T on the coding strand, the complement: CYP11B1 is on the minus strand). VCF-style: chr8-142875767-G-A. GRCh37 (hg19) VCF-style: chr8-143957183-G-A.
Other names: c.1066C>T, p.Gln356Ter (NM_001026213.1); short protein forms Q356*.
Identifiers: ClinVar variation 56830 (VCV000056830.25), dbSNP rs146124466, ClinGen allele CA344775.

ClinVar aggregate classification (germline): Pathogenic. Review status: criteria provided, multiple submitters, no conflicts (2 of 4 stars). 13 submissions from 13 submitters: Pathogenic (11). 2 of the submissions do not count toward it. Last evaluated 2026-06-05.

Conditions:
CYP11B1-related disorder. Also called: CYP11B1-related condition.
Deficiency of steroid 11-beta-monooxygenase (CYP11B1). Also called: Congenital adrenal hyperplasia due to 11-beta-hydroxylase deficiency; STEROID 11-BETA-HYDROXYLASE DEFICIENCY; ADRENAL HYPERPLASIA IV; ADRENAL HYPERPLASIA, CONGENITAL, DUE TO STEROID 11-BETA-HYDROXYLASE DEFICIENCY; 11-BETA-HYDROXYLASE DEFICIENCY; P450C11B1 DEFICIENCY. Identifiers: Orphanet 90795, MedGen C0268292, MONDO:0008729, OMIM 202010. Disease mechanism: loss of function.
Glucocorticoid-remediable aldosteronism. Also called: ACTH-DEPENDENT HYPERALDOSTERONISM SYNDROME; ALDOSTERONISM, SENSITIVE TO DEXAMETHASONE; FH I; GLUCOCORTICOID-SUPPRESSIBLE HYPERALDOSTERONISM; Hyperaldosteronism, familial, type I. Identifiers: Orphanet 403, MedGen C3838731, MONDO:0007080, OMIM 103900.
Congenital adrenal hyperplasia. Identifiers: Orphanet 418, MedGen C0001627, MONDO:0018479, HP:0008258.

Allele frequency attached by ClinVar (database versions not stated): gnomAD exomes 0.00004 and 0.00006; ExAC 0.00007; ESP Exome Variant Server 0.00031; gnomAD 0.00031 and 0.00032; TOPMed 0.00031; 1000 Genomes Project 0.00080; 1000 Genomes Project 30x 0.00094.
gnomAD v4.1: 101 of 1,613,728 alleles (0.0063%); highest among the groups gnomAD compares: African/African-American, 0.12%; no homozygotes.

Submissions (13):

PreventionGenetics, part of Exact Sciences
Classification: Pathogenic for CYP11B1-related condition. Last evaluated: 2026-06-05. Review status: criteria provided, single submitter. Criteria: ACMG Guidelines, 2015. Collection method: clinical testing. Allele origin: germline.
Comment: The CYP11B1 c.1066C>T variant is predicted to result in premature protein termination (p.Gln356*). This variant has been reported to be associated with severe congenital adrenal hyperplasia (CAH) due to 11β-hydroxylase deficiency (see for example, Curnow et al. 1993. PubMed ID: 8506298; Zhu et al. 2003. PubMed ID: 12966519). This variant is reported in 0.08% of alleles in individuals of African descent in gnomAD. Nonsense variants in CYP11B1 are expected to be pathogenic. This variant is interpreted as pathogenic.

Labcorp Genetics (formerly Invitae), Labcorp
Classification: Pathogenic. Last evaluated: 2026-01-31. Review status: criteria provided, single submitter. Criteria: Invitae Variant Classification Sherloc (09022015). Collection method: clinical testing. Allele origin: germline.
Comment: This sequence change creates a premature translational stop signal (p.Gln356*) in the CYP11B1 gene. It is expected to result in an absent or disrupted protein product. Loss-of-function variants in CYP11B1 are known to be pathogenic (PMID: 8506298, 26476331). This variant is present in population databases (rs146124466, gnomAD 0.08%). This premature translational stop signal has been observed in individuals with CYP11B1-related conditions (PMID: 8506298, 12966519, 24022297, 27821898). It has also been observed to segregate with disease in related individuals. ClinVar contains an entry for this variant (Variation ID: 56830). For these reasons, this variant has been classified as Pathogenic.

Women's Health and Genetics/Laboratory Corporation of America, LabCorp
Classification: Pathogenic for Congenital adrenal hyperplasia. Last evaluated: 2026-01-05. Review status: criteria provided, single submitter. Criteria: LabCorp Variant Classification Summary - May 2015. Collection method: clinical testing. Allele origin: germline.
Comment: Variant summary: CYP11B1 c.1066C>T (p.Gln356X) results in a premature termination codon, predicted to cause a truncation of the encoded protein or absence of the protein due to nonsense mediated decay, which are commonly known mechanisms for disease. The variant allele was found at a frequency of 5.6e-05 in 250848 control chromosomes. This frequency is not significantly higher than estimated for disease-causing variants in CYP11B1, allowing no conclusion about variant significance. c.1066C>T has been observed in multiple individuals affected with Steroid-11 beta-hydroxylase deficiency (example: Zhu_2003). These data indicate that the variant is very likely to be associated with disease. The following publication has been ascertained in the context of this evaluation (PMID: 12966519). ClinVar contains an entry for this variant (Variation ID: 56830). Based on the evidence outlined above, the variant was classified as pathogenic.

Victorian Clinical Genetics Services, Murdoch Childrens Research Institute
Classification: Pathogenic for Deficiency of steroid 11-beta-monooxygenase. Last evaluated: 2025-05-29. Review status: criteria provided, single submitter. Criteria: ACMG Guidelines, 2015. Collection method: clinical testing. Allele origin: germline. Affected: yes.
Comment: This variant is classified as Pathogenic. Evidence in support of pathogenic classification: Variant is predicted to cause nonsense-mediated decay (NMD) and loss of protein (premature termination codon is located at least 54 nucleotides upstream of the final exon-exon junction); Variant is present in gnomAD <0.01 (v4: 101 heterozygote(s), 0 homozygote(s)); This variant has strong previous evidence of pathogenicity in unrelated individuals. This variant has been classified as pathogenic by clinical laboratories in ClinVar, and reported in the literature in a compound heterozygous state in individuals with congenital adrenal hyperplasia due to 11-beta-hydroxylase deficiency (PMIDs: 27821898, 28962970, 33830237); Other NMD-predicted variants comparable to the one identified in this case have very strong previous evidence for pathogenicity (DECIPHER). Additional information: This variant is heterozygous; This gene is associated with both recessive and dominant disease. Dominant disease is caused by a fusion event between the regulatory region of CYP11B1 and coding region of CYP11B2 (OMIM); Loss of function is a known mechanism of disease in this gene and is associated with adrenal hyperplasia, congenital, due to 11-beta-hydroxylase deficiency (MIM#202010). The mechanism for aldosteronism, glucocorticoid-remediable (MIM#103900) is unclear; Inheritance information for this variant is not currently available in this individual.

GeneDx
Classification: Pathogenic. Last evaluated: 2025-02-20. Review status: criteria provided, single submitter. Criteria: GeneDx Variant Classification Process June 2021. Collection method: clinical testing. Allele origin: germline. Affected: yes.
Comment: Nonsense variant predicted to result in protein truncation or nonsense mediated decay in a gene for which loss of function is a known mechanism of disease; This variant is associated with the following publications: (PMID: 25525159, 15751602, 9435454, 30242600, 12966519, 8506298, 32784047, 23345044, 24022297, 27821898, 17371482, 8964882, 31345219, 33830237, 20331679)

Baylor Genetics
Classification: Pathogenic for Deficiency of steroid 11-beta-monooxygenase. Last evaluated: 2024-02-24. Review status: criteria provided, single submitter. Criteria: ACMG Guidelines, 2015. Collection method: clinical testing. Allele origin: unknown.

Greenwood Genetic Center Diagnostic Laboratories, Greenwood Genetic Center
Classification: Pathogenic for Deficiency of steroid 11-beta-monooxygenase. Last evaluated: 2023-07-18. Review status: criteria provided, single submitter. Criteria: ACMG Guidelines, 2015. Collection method: clinical testing. Allele origin: germline. Affected: yes.
Comment: PVS1, PM2, PM3_Strong

3billion
Classification: Pathogenic for Deficiency of steroid 11-beta-monooxygenase. Last evaluated: 2022-05-22. Review status: criteria provided, single submitter. Criteria: ACMG Guidelines, 2015. Collection method: clinical testing. Allele origin: germline. Affected: yes. Observed: 1 homozygote.
Comment: The variant is observed at an extremely low frequency in the gnomAD v2.1.1 dataset (total allele frequency: 0.007%). Stop-gained (nonsense): predicted to result in a loss or disruption of normal protein function through nonsense-mediated decay (NMD) or protein truncation. Multiple pathogenic variants are reported downstream of the variant. The variant has been reported at least twice as pathogenic with clinical assertions and evidence for the classification (ClinVar ID: VCV000056830 / PMID: 8506298). Therefore, this variant is classified as pathogenic according to the recommendation of ACMG/AMP guideline.

Blueprint Genetics
Classification: Pathogenic for CYP11B1-related disorders. Last evaluated: 2019-09-04. Review status: criteria provided, single submitter. Criteria: ACMG Guidelines, 2015. Collection method: clinical testing. Allele origin: germline. Affected: yes. Observed: 4 variant alleles.

Fulgent Genetics
Classification: Pathogenic for Glucocorticoid-remediable aldosteronism; Deficiency of steroid 11-beta-monooxygenase. Last evaluated: 2018-10-31. Review status: criteria provided, single submitter. Criteria: ACMG Guidelines, 2015. Collection method: clinical testing. Allele origin: unknown.

Athena Diagnostics
Classification: Pathogenic. Last evaluated: 2017-10-11. Review status: criteria provided, single submitter. Criteria: Athena Diagnostics Criteria. Collection method: clinical testing. Allele origin: germline.

Counsyl
Classification: Pathogenic for Deficiency of steroid 11-beta-monooxygenase. Last evaluated: 2017-03-29. Review status: no assertion criteria provided. Collection method: clinical testing. Allele origin: unknown. Not counted in ClinVar's aggregate classification.

Pediatric Endocrinology Laboratory; Christian Albrechts University of Kiel
No classification provided. Condition: Deficiency of steroid 11-beta-monooxygenase. Review status: no classification provided. Collection method: not provided. Allele origin: germline. Not counted in ClinVar's aggregate classification.

Literature cited by the submitters: PubMed 8506298 (cited by 4 submitters); PubMed 26476331 (cited by Labcorp Genetics (formerly Invitae), Labcorp); PubMed 12966519 (cited by 3 submitters); PubMed 24022297 (cited by Labcorp Genetics (formerly Invitae), Labcorp and Athena Diagnostics); PubMed 27821898 (cited by 3 submitters); PubMed 28962970 (cited by Victorian Clinical Genetics Services, Murdoch Childrens Research Institute); PubMed 33830237 (cited by Victorian Clinical Genetics Services, Murdoch Childrens Research Institute); PubMed 8964882 (cited by Athena Diagnostics); PubMed 9435454 (cited by Athena Diagnostics); PubMed 23345044 (cited by Athena Diagnostics); PubMed 17371482 (cited by Counsyl).